The following is an entry in ClinVar:

NM_001330078.2(NRXN1):c.2171G>A (p.Ser724Asn)

Gene: NRXN1 (neurexin 1; minus strand). Cytogenetic location: 2p16.3.
Variant type: single nucleotide variant.
Coding change: c.2171G>A on transcript NM_001330078.2 (MANE Select); coding-DNA position 2171, G replaced by A.
Protein change: p.Ser724Asn; replaces serine 724 with asparagine.
Molecular consequence: missense variant.
Genome position (GRCh38, 1-based): chr2:50,531,403, C>T on the plus strand (G>A on the coding strand, the complement: NRXN1 is on the minus strand). VCF-style: chr2-50531403-C-T. GRCh37 (hg19) VCF-style: chr2-50758541-C-T.
Other names: c.2291G>A, p.Ser764Asn (NM_001135659.3); c.2147G>A, p.Ser716Asn (NM_001330077.2, NM_001330082.2, NM_001330095.2); c.2132G>A, p.Ser711Asn (NM_001330083.2, NM_001330084.2); c.2171G>A, p.Ser724Asn (NM_001330085.2, NM_001330086.2, NM_004801.6); c.2087G>A, p.Ser696Asn (NM_001330087.2, NM_001330096.2); c.2117G>A, p.Ser706Asn (NM_001330088.2); c.2168G>A, p.Ser723Asn (NM_001330093.2); c.2159G>A, p.Ser720Asn (NM_001330094.2); short protein forms S706N, S716N, S720N, S711N, S724N, S696N, S723N, S764N.
Identifiers: ClinVar variation 1940948 (VCV001940948.5), dbSNP rs1558890325, ClinGen allele CA346769766.

ClinVar aggregate classification (germline): Uncertain significance (1 of 4 stars; one submission).

Conditions:
Pitt-Hopkins-like syndrome 2 (PTHSL2). Identifiers: Orphanet 221150, Orphanet 600663, MedGen C3280479, MONDO:0013690, OMIM 614325.

Allele frequency attached by ClinVar (database versions not stated): gnomAD exomes below 0.00001.
gnomAD v4.1: 3 of 1,612,030 alleles (0.00019%); highest among the groups gnomAD compares: Non-Finnish European, 0.00025%; no homozygotes.

Submission:

Labcorp Genetics (formerly Invitae), Labcorp
Classification: Uncertain significance for Pitt-Hopkins-like syndrome 2. Last evaluated: 2025-06-02. Review status: criteria provided, single submitter. Criteria: Invitae Variant Classification Sherloc (09022015). Collection method: clinical testing. Allele origin: germline.
Comment: This sequence change replaces serine, which is neutral and polar, with asparagine, which is neutral and polar, at codon 764 of the NRXN1 protein (p.Ser764Asn). This variant is not present in population databases (gnomAD no frequency). This variant has not been reported in the literature in individuals affected with NRXN1-related conditions. ClinVar contains an entry for this variant (Variation ID: 1940948). An algorithm developed to predict the effect of missense changes on protein structure and function (PolyPhen-2) suggests that this variant is likely to be disruptive. In summary, the available evidence is currently insufficient to determine the role of this variant in disease. Therefore, it has been classified as a Variant of Uncertain Significance.